The following is an entry in ClinVar:

NM_001330260.2(SCN8A):c.4325T>C (p.Ile1442Thr)

Gene: SCN8A (sodium voltage-gated channel alpha subunit 8; plus strand). Cytogenetic location: 12q13.13.
Variant type: single nucleotide variant.
Coding change: c.4325T>C on transcript NM_001330260.2 (MANE Select); coding-DNA position 4325, T replaced by C.
Protein change: p.Ile1442Thr; replaces isoleucine 1442 with threonine.
Molecular consequence: missense variant.
Genome position (GRCh38, 1-based): chr12:51,789,324, T>C. VCF-style: chr12-51789324-T-C. GRCh37 (hg19) VCF-style: chr12-52183108-T-C.
Other names: c.4202T>C, p.Ile1401Thr (NM_001177984.3, NM_001369788.1); c.4325T>C, p.Ile1442Thr (NM_014191.4); short protein forms I1442T, I1401T.
Identifiers: ClinVar variation 945752 (VCV000945752.10), dbSNP rs1938177744, ClinGen allele CA384908203.

ClinVar aggregate classification (germline): Uncertain significance (1 of 4 stars; one submission).

Conditions:
Early-infantile DEE. Also called: Early infantile epileptic encephalopathy; Ohtahara syndrome; Early infantile epileptic encephalopathy with suppression bursts. Identifiers: Orphanet 1934, MedGen C0393706, MONDO:0800491.

Submission:

Labcorp Genetics (formerly Invitae), Labcorp
Classification: Uncertain significance for Early-infantile DEE. Last evaluated: 2022-09-01. Review status: criteria provided, single submitter. Criteria: Invitae Variant Classification Sherloc (09022015). Collection method: clinical testing. Allele origin: germline.
Comment: This variant is not present in population databases (gnomAD no frequency). This variant has not been reported in the literature in individuals affected with SCN8A-related conditions. ClinVar contains an entry for this variant (Variation ID: 945752). Algorithms developed to predict the effect of missense changes on protein structure and function are either unavailable or do not agree on the potential impact of this missense change (SIFT: "Deleterious"; PolyPhen-2: "Possibly Damaging"; Align-GVGD: "Class C0"). In summary, the available evidence is currently insufficient to determine the role of this variant in disease. Therefore, it has been classified as a Variant of Uncertain Significance. This sequence change replaces isoleucine, which is neutral and non-polar, with threonine, which is neutral and polar, at codon 1442 of the SCN8A protein (p.Ile1442Thr).